The following is an entry in ClinVar:

NM_000260.4(MYO7A):c.3275del (p.Gly1092fs)

Gene: MYO7A (myosin VIIA; plus strand). Cytogenetic location: 11q13.5.
Variant type: Deletion.
Coding change: c.3275del on transcript NM_000260.4 (MANE Select); coding-DNA position 3275, one base deleted (G; older notation c.3275delG).
Protein change: p.Gly1092fs; shifts the reading frame from glycine 1092.
Molecular consequence: frameshift variant.
Genome position (GRCh38, 1-based): chr11:77,182,590, G deleted; the last of 3 consecutive G bases (chr11:77,182,588-77,182,590); deleting any one gives the same sequence. VCF-style (leftmost placement, unchanged base first): chr11-77182587-AG-A. GRCh37 (hg19) VCF-style: chr11-76893632-AG-A.
Other names: c.3275del (NM_000260.3); c.3275del, p.Gly1092fs (NM_001127180.2); c.3242del, p.Gly1081fs (NM_001369365.1); short protein forms G1081fs, G1092fs.
Identifiers: ClinVar variation 2503062 (VCV002503062.2), dbSNP rs2497235949, ClinGen allele CA2695198940.

ClinVar aggregate classification (germline): Pathogenic/Likely pathogenic. Review status: criteria provided, multiple submitters, no conflicts (2 of 4 stars). 2 submissions from 2 submitters: Pathogenic (1); Likely pathogenic (1). Last evaluated 2025-09-05.

Conditions:
Usher syndrome type 1B (USH1B). Also called: Usher syndrome type IB. Identifiers: MedGen C1848638, MONDO:0700087.
Usher syndrome. Also called: Usher Syndromes; Usher's syndrome. Identifiers: Orphanet 886, MedGen CN469326, MeSH D052245, MONDO:0019501. Disease mechanism: loss of function.

Submissions (2):

Natera, Inc.
Classification: Likely pathogenic for Usher syndrome type 1B. Last evaluated: 2025-09-05. Review status: criteria provided, single submitter. Criteria: Natera Variant Classification Schema (03/2026). Collection method: clinical testing. Allele origin: germline.
Comment: The c.3275del variant in MYO7A is a frameshift variant predicted to shift the reading frame beginning at codon 1092 and leads to a stop codon 16 codons downstream. This variant is expected to result in nonsense mediated decay, truncation, or a dysfunctional protein product. This variant is rare in the general population with a frequency below the threshold expected for the associated phenotype(s). Given the available evidence, this variant is classified as Likely Pathogenic.

SN ONGC Dept of Genetics and Molecular biology Vision Research Foundation
Classification: Pathogenic for Usher syndrome. Last evaluated: 2022-12-31. Review status: criteria provided, single submitter. Criteria: ACMG Guidelines, 2015. Collection method: research. Allele origin: unknown. Affected: yes. Observed: 1 variant allele, 1 homozygote.